The following is an entry in ClinVar:

ClinVar aggregate classification (germline): Uncertain significance (1 of 4 stars; one submission).

Submission:

Labcorp Genetics (formerly Invitae), Labcorp
Classification: Uncertain significance. Last evaluated: 2025-05-19. Review status: criteria provided, single submitter. Criteria: Invitae Variant Classification Sherloc (09022015). Collection method: clinical testing. Allele origin: germline.
Comment: This sequence change replaces methionine, which is neutral and non-polar, with valine, which is neutral and non-polar, at codon 213 of the SMARCB1 protein (p.Met213Val). This variant is not present in population databases (gnomAD no frequency). This variant has not been reported in the literature in individuals affected with SMARCB1-related conditions. Invitae Evidence Modeling of protein sequence and biophysical properties (such as structural, functional, and spatial information, amino acid conservation, physicochemical variation, residue mobility, and thermodynamic stability) indicates that this missense variant is not expected to disrupt SMARCB1 protein function with a negative predictive value of 80%. In summary, the available evidence is currently insufficient to determine the role of this variant in disease. Therefore, it has been classified as a Variant of Uncertain Significance.

NM_003073.5(SMARCB1):c.637A>G (p.Met213Val)

Gene: SMARCB1 (SWI/SNF related BAF chromatin remodeling complex subunit B1; plus strand). Cytogenetic location: 22q11.23.
Variant type: single nucleotide variant.
Coding change: c.637A>G on transcript NM_003073.5 (MANE Select); coding-DNA position 637, A replaced by G.
Protein change: p.Met213Val; replaces methionine 213 with valine.
Molecular consequence: missense variant.
Genome position (GRCh38, 1-based): chr22:23,816,778, A>G. VCF-style: chr22-23816778-A-G. GRCh37 (hg19) VCF-style: chr22-24158965-A-G.
Other names: c.610A>G, p.Met204Val (NM_001007468.3); c.664A>G, p.Met222Val (NM_001317946.2); c.691A>G, p.Met231Val (NM_001362877.2); short protein forms M213V, M204V, M222V, M231V.
Identifiers: ClinVar variation 4744326 (VCV004744326.1).
Genomic context (GRCh38, chr22:23,816,778, plus strand): 5'-ATGCCCAAGCATGGTGCAATCTCTTGGCATCCCTTCCCTCTCCTGATTTCAGAGAAGTTG[A>G]TGACGCCTGAGATGTTTTCAGAAATCCTCTGTGACGATCTGGATTTGAACCCGCTGACGT-3'
Protein context (NP_003064.2, residues 203-223): AFTWNMNEKL[Met213Val]TPEMFSEILC